The following is an entry in ClinVar:

NM_000081.4(LYST):c.685C>A (p.Pro229Thr)

Gene: LYST (lysosomal trafficking regulator; minus strand). Cytogenetic location: 1q42.3.
Variant type: single nucleotide variant.
Coding change: c.685C>A on transcript NM_000081.4 (MANE Select); coding-DNA position 685, C replaced by A.
Protein change: p.Pro229Thr; replaces proline 229 with threonine.
Molecular consequence: missense variant.
Genome position (GRCh38, 1-based): chr1:235,810,133, G>T on the plus strand (C>A on the coding strand, the complement: LYST is on the minus strand). VCF-style: chr1-235810133-G-T. GRCh37 (hg19) VCF-style: chr1-235973433-G-T.
Other names: p.Pro229Thr; c.685C>A (NM_000081.2); c.685C>A, p.Pro229Thr (NM_001301365.1); short protein forms P229T.
Identifiers: ClinVar variation 2042085 (VCV002042085.3), dbSNP rs201026377, ClinGen allele CA1467579.

ClinVar aggregate classification (germline): Uncertain significance. Review status: criteria provided, multiple submitters, no conflicts (2 of 4 stars). 3 submissions from 3 submitters: Uncertain significance (3). Last evaluated 2024-12-03.

Conditions:
Inborn genetic diseases. Identifiers: MedGen C0950123, MeSH D030342.
Chédiak-Higashi syndrome (CHS). Also called: Chediak-Higashi Syndrome. Identifiers: Orphanet 167, MedGen C0007965, MONDO:0008963, OMIM 214500.

Allele frequency attached by ClinVar (database versions not stated): gnomAD 0.00001; gnomAD exomes 0.00001; ExAC 0.00003; TOPMed 0.00003; 1000 Genomes Project 0.00020; 1000 Genomes Project 30x 0.00031.
gnomAD v4.1: 6 of 1,614,128 alleles (0.00037%); highest among the groups gnomAD compares: Admixed American, 0.01%; no homozygotes.

Submissions (3):

Ambry Genetics
Classification: Uncertain significance for Inborn genetic diseases. Last evaluated: 2024-12-03. Review status: criteria provided, single submitter. Criteria: Ambry Variant Classification Scheme 2023. Collection method: clinical testing. Allele origin: germline.

Mayo Clinic Laboratories, Mayo Clinic
Classification: Uncertain significance. Last evaluated: 2024-02-27. Review status: criteria provided, single submitter. Criteria: ACMG Guidelines, 2015. Collection method: clinical testing. Allele origin: germline. Observed: 1 variant allele.
Comment: BP4, PM1_supporting

Labcorp Genetics (formerly Invitae), Labcorp
Classification: Uncertain significance for Chédiak-Higashi syndrome. Last evaluated: 2022-08-09. Review status: criteria provided, single submitter. Criteria: Invitae Variant Classification Sherloc (09022015). Collection method: clinical testing. Allele origin: germline.
Comment: This sequence change replaces proline, which is neutral and non-polar, with threonine, which is neutral and polar, at codon 229 of the LYST protein (p.Pro229Thr). This variant is present in population databases (rs201026377, gnomAD 0.01%). This variant has not been reported in the literature in individuals affected with LYST-related conditions. Algorithms developed to predict the effect of missense changes on protein structure and function (SIFT, PolyPhen-2, Align-GVGD) all suggest that this variant is likely to be tolerated. In summary, the available evidence is currently insufficient to determine the role of this variant in disease. Therefore, it has been classified as a Variant of Uncertain Significance.